The following is an entry in ClinVar:

ClinVar aggregate classification (germline): Conflicting classifications of pathogenicity. Review status: criteria provided, conflicting classifications (1 of 4 stars). 3 submissions from 3 submitters: Uncertain significance (2); Likely benign (1). Last evaluated 2025-10-01.

Conditions:
Ehlers-Danlos syndrome, classic type, 1 (EDSCL1). Also called: EDS I; EHLERS-DANLOS SYNDROME, GRAVIS TYPE; EHLERS-DANLOS SYNDROME, SEVERE CLASSIC TYPE; Ehlers-Danlos Syndrome, Classic Type, COL5A1-Related; Ehlers-Danlos syndrome, type 1. Identifiers: MedGen C0268335, MONDO:0019567, OMIM 130000.
Familial thoracic aortic aneurysm and aortic dissection (TAAD). Also called: Thoracic aortic aneurysms and dissections. Identifiers: Orphanet 91387, MedGen C4707243, MONDO:0019625.

Allele frequency attached by ClinVar (database versions not stated): ExAC 0.00001; gnomAD exomes 0.00001.
gnomAD v4.1: 15 of 1,613,890 alleles (0.00093%); highest among the groups gnomAD compares: Non-Finnish European, 0.0013%; no homozygotes.

Submissions (3):

Labcorp Genetics (formerly Invitae), Labcorp
Classification: Likely benign for Ehlers-Danlos syndrome, classic type, 1. Last evaluated: 2025-10-01. Review status: criteria provided, single submitter. Criteria: Invitae Variant Classification Sherloc (09022015). Collection method: clinical testing. Allele origin: germline.

Ambry Genetics
Classification: Uncertain significance for Familial thoracic aortic aneurysm and aortic dissection. Last evaluated: 2024-09-30. Review status: criteria provided, single submitter. Criteria: Ambry Variant Classification Scheme 2023. Collection method: clinical testing. Allele origin: germline.
Comment: The p.K1406R variant (also known as c.4217A>G), located in coding exon 53 of the COL5A2 gene, results from an A to G substitution at nucleotide position 4217. The lysine at codon 1406 is replaced by arginine, an amino acid with highly similar properties. This amino acid position is well conserved in available vertebrate species. In addition, this alteration is predicted to be tolerated by in silico analysis. Based on the available evidence, the clinical significance of this variant remains unclear.

Women's Health and Genetics/Laboratory Corporation of America, LabCorp
Classification: Uncertain significance. Last evaluated: 2023-10-19. Review status: criteria provided, single submitter. Criteria: LabCorp Variant Classification Summary - May 2015. Collection method: clinical testing. Allele origin: germline.

NM_000393.5(COL5A2):c.4217A>G (p.Lys1406Arg)

Gene: COL5A2 (collagen type V alpha 2 chain; minus strand). Cytogenetic location: 2q32.2.
Variant type: single nucleotide variant.
Coding change: c.4217A>G on transcript NM_000393.5 (MANE Select); coding-DNA position 4217, A replaced by G.
Protein change: p.Lys1406Arg; replaces lysine 1406 with arginine.
Molecular consequence: missense variant.
Genome position (GRCh38, 1-based): chr2:189,035,052, T>C on the plus strand (A>G on the coding strand, the complement: COL5A2 is on the minus strand). VCF-style: chr2-189035052-T-C. GRCh37 (hg19) VCF-style: chr2-189899778-T-C.
Other names: short protein forms K1406R.
Identifiers: ClinVar variation 664007 (VCV000664007.12), dbSNP rs754932150, ClinGen allele CA2021826.
Genomic context (GRCh38, chr2:189,035,052, plus strand): 5'-TTGAGAACCACAGCTTTTTTGAGGTTCTTAGCTTGATCGTCCATGTATCCTACACTGTTT[T>C]TACAGATGTAAGTGATGTTCTGGGAGGCTTCTTTTGATAAAAGGCGCAAAAAAGTCATCT-3'
Protein context (NP_000384.2, residues 1396-1416): EASQNITYIC[Lys1406Arg]NSVGYMDDQA